The following is an entry in ClinVar:

ClinVar aggregate classification (germline): Likely benign (1 of 4 stars; one submission).

Allele frequency attached by ClinVar (database versions not stated): gnomAD exomes below 0.00001.
gnomAD v4.1: 2 of 1,613,980 alleles (0.00012%); highest among the groups gnomAD compares: African/African-American, 0.0013%; no homozygotes.

Submission:

CeGaT Center for Human Genetics Tuebingen
Classification: Likely benign. Last evaluated: 2022-09-01. Review status: criteria provided, single submitter. Criteria: CeGaT Center For Human Genetics Tuebingen Variant Classification Criteria Version 2. Collection method: clinical testing. Allele origin: germline. Affected: yes. Observed: 1 variant allele.
Comment: MUC17: PM2:Supporting, BP4, BP7

NM_001040105.2(MUC17):c.1506A>G (p.Pro502=)

Gene: MUC17 (mucin 17, cell surface associated; plus strand). Cytogenetic location: 7q22.1.
Variant type: single nucleotide variant.
Coding change: c.1506A>G on transcript NM_001040105.2 (MANE Select); coding-DNA position 1506, A replaced by G.
Protein change: p.Pro502=; no amino-acid change (proline 502 retained).
Molecular consequence: synonymous variant. On other transcripts: non-coding transcript variant (1).
Genome position (GRCh38, 1-based): chr7:101,032,922, A>G. VCF-style: chr7-101032922-A-G. GRCh37 (hg19) VCF-style: chr7-100676203-A-G.
Identifiers: ClinVar variation 2657837 (VCV002657837.24), dbSNP rs2485869459, ClinGen allele CA456918070.